The following is an entry in ClinVar:

ClinVar aggregate classification (germline): Pathogenic. Review status: reviewed by expert panel (3 of 4 stars). 35 submissions from 35 submitters: Pathogenic (1). 34 of the submissions do not count toward it. Last evaluated 2016-09-08.

Conditions:
Inherited ovarian cancer (without breast cancer).
BRCA1-related cancer predisposition. Identifiers: MedGen CN377757, MONDO:0700268.
BRCA1-related disorder. Also called: BRCA1-related condition.
Breast and/or ovarian cancer. Identifiers: MedGen CN221562.
Hereditary cancer-predisposing syndrome. Also called: Hereditary Cancer Syndrome; Tumor predisposition; Neoplastic Syndromes, Hereditary; Hereditary neoplastic syndrome. Identifiers: Orphanet 140162, MedGen C0027672, MeSH D009386, MONDO:0015356.
Hereditary breast ovarian cancer syndrome. Also called: Breast and ovarian cancer; BRCA1- and BRCA2-Associated Hereditary Breast and Ovarian Cancer; Hereditary breast and ovarian cancer; Hereditary breast and ovarian cancer syndrome (HBOC); Hereditary breast and ovarian cancer syndrome; Hereditary breast and/or ovarian cancer syndrome. Identifiers: Orphanet 145, MedGen C0677776, MeSH D061325, MONDO:0003582. Disease mechanism: loss of function.
Ovarian neoplasm. Also called: Ovarian tumor; Ovarian Neoplasms; Neoplasm of ovary. Identifiers: MedGen C0919267, MeSH D010051, MONDO:0021068, HP:0100615.
Breast-ovarian cancer, familial, susceptibility to, 1 (BROVCA1). Also called: BRCA1 Hereditary Breast and Ovarian Cancer; OVARIAN CANCER, SUSCEPTIBILITY TO. Identifiers: Orphanet 145, MedGen C2676676, MONDO:0011450, OMIM 604370. Disease mechanism: loss of function.

Submissions 1 to 9 of 35:

Evidence-based Network for the Interpretation of Germline Mutant Alleles (ENIGMA)
Classification: Pathogenic for Breast-ovarian cancer, familial, susceptibility to, 1. Last evaluated: 2016-09-08. Review status: reviewed by expert panel. Criteria: ENIGMA BRCA1/2 Classification Criteria (2015). Collection method: curation. Allele origin: germline.
Comment: Variant allele predicted to encode a truncated non-functional protein.

Labcorp Genetics (formerly Invitae), Labcorp
Classification: Pathogenic for Hereditary breast ovarian cancer syndrome. Last evaluated: 2025-12-03. Review status: criteria provided, single submitter. Criteria: Invitae Variant Classification Sherloc (09022015). Collection method: clinical testing. Allele origin: germline. Not counted in ClinVar's aggregate classification.
Comment: This sequence change creates a premature translational stop signal (p.Val340Glyfs*6) in the BRCA1 gene. It is expected to result in an absent or disrupted protein product. Loss-of-function variants in BRCA1 are known to be pathogenic (PMID: 20104584). This variant is not present in population databases (gnomAD no frequency). This premature translational stop signal has been observed in individual(s) with breast and/or ovarian cancer (PMID: 10441573, 15024741, 18489799, 23199084, 23289006). This variant is also known as 1135insA. ClinVar contains an entry for this variant (Variation ID: 54102). For these reasons, this variant has been classified as Pathogenic.

Cambridge Genomics Laboratory, East Genomic Laboratory Hub, NHS Genomic Medicine Service
Classification: Pathogenic for Inherited ovarian cancer (without breast cancer). Last evaluated: 2025-10-17. Review status: criteria provided, single submitter. Criteria: ACGS Best Practice Guidelines for Variant Classification in Rare Disease 2020. Collection method: clinical testing. Allele origin: germline. Affected: yes. Not counted in ClinVar's aggregate classification.
Comment: PVS1,PM2_Supporting,PM5_Strong

Molecular Diagnostics Laboratory, Catalan Institute of Oncology
Classification: Pathogenic for Hereditary cancer-predisposing syndrome. Last evaluated: 2025-08-06. Review status: criteria provided, single submitter. Criteria: ClinGen BRCA1BRCA2 ACMG Specifications BRCA1 V1.0.0. Collection method: clinical testing. Allele origin: germline. Not counted in ClinVar's aggregate classification.
Comment: PVS1, PM5_PTC_Strong c.1016dup, located in exon 10 (11 according to BIC nomenclature) of the BRCA1 gene, consists in the duplication of 1 nucleotide, causing a translational frameshift with a predicted alternate stop codon, p.(Val340GlyfsTer6). This alteration is expected to result in loss of function by premature protein truncation and nonsense-mediated mRNA decay (PVS1, PM5_PTC_Strong). No effect is predicted on splicing by SpliceAI. It is not present in the population database gnomAD v2.1.1, non cancer dataset. No well-established functional studies have been reported for this variant, but it has been reported as a founder pathogenic variant in the Norwegian and Swedish populations (PMID: 10441573, 23199084). In addition, it has been reported in the following databases: BRCA Exchange (Pathogenic; Variant allele predicted to encode a truncated non-functional protein), ClinVar (32x pathogenic) and LOVD (1x uncertain significance, 1x likely pathogenic, 56x pathogenic). Based on the currently available evidence, c.1016dup is classified as a pathogenic variant according to ClinGen-BRCA1 Guidelines v. 1.0.0.

Quest Diagnostics Nichols Institute San Juan Capistrano
Classification: Pathogenic. Last evaluated: 2025-05-08. Review status: criteria provided, single submitter. Criteria: Quest Diagnostics criteria. Collection method: clinical testing. Allele origin: unknown. Not counted in ClinVar's aggregate classification.
Comment: The BRCA1 c.1016dup (p.Val340Glyfs*6) variant alters the translational reading frame of the BRCA1 mRNA and causes the premature termination of BRCA1 protein synthesis. This variant has been reported in the published literature in individuals with breast and/or ovarian cancer (PMID: 10595257 (1999), 23289006 (2013), 25186627 (2015), 26350514 (2015), 28724667 (2017), 31336956 (2019), 39971428 (2025)), as well as in a reportedly unaffected individual in a large scale breast cancer association study (PMID: 33471991 (2021), see also LOVD). This variant has not been reported in large, multi-ethnic general populations (Genome Aggregation Database). Based on the available information, this variant is classified as pathogenic.

Color Diagnostics, LLC DBA Color Health
Classification: Pathogenic for Hereditary cancer-predisposing syndrome. Last evaluated: 2025-04-28. Review status: criteria provided, single submitter. Criteria: ACMG Guidelines, 2015. Collection method: clinical testing. Allele origin: germline. Not counted in ClinVar's aggregate classification.
Comment: This variant inserts 1 nucleotide in exon 10 of the BRCA1 gene, creating a frameshift and premature translation stop signal. This variant is expected to result in an absent or non-functional protein product. This variant has been observed in over 10 individuals and families affected with breast and ovarian cancer (PMID: 7894492, 8755943, 10441573, 15024741, 17688236, 18703817, 23289006, 26350514, 27062684, 28724667) and found to segregate with disease in several members of one family (PMID: 17688236). This variant is reported as a founder mutation in Sweden and Norway (PMID: 8755943, 10441573, 23199084). This variant has not been identified in the general population by the Genome Aggregation Database (gnomAD). Loss of BRCA1 function is a known mechanism of disease. Based on the available evidence, this variant is classified as Pathogenic.

Center for Genomic Medicine, Rigshospitalet, Copenhagen University Hospital
Classification: Pathogenic. Last evaluated: 2025-03-04. Review status: criteria provided, single submitter. Criteria: ACMG Guidelines, 2015. Collection method: clinical testing. Allele origin: germline. Not counted in ClinVar's aggregate classification.
Comment: Classification criteria: ENIGMA 5

Blueprint Genetics
Classification: Pathogenic for BRCA1-related disorders. Last evaluated: 2024-09-03. Review status: criteria provided, single submitter. Criteria: ACMG Guidelines, 2015. Collection method: clinical testing. Allele origin: germline. Affected: yes. Observed: 1 variant allele. Not counted in ClinVar's aggregate classification.

All of Us Research Program, National Institutes of Health
Classification: Pathogenic for BRCA1-related cancer predisposition. Last evaluated: 2024-08-31. Review status: criteria provided, single submitter. Criteria: ACMG Guidelines, 2015. Collection method: clinical testing. Allele origin: germline. Inheritance: Autosomal dominant inheritance. Observed: 1 variant allele, 1 heterozygote. Not counted in ClinVar's aggregate classification.
Comment: This variant inserts 1 nucleotide in exon 10 of the BRCA1 gene, creating a frameshift and premature translation stop signal. This variant is expected to result in an absent or non-functional protein product. To our knowledge, functional studies have not been reported for this variant. This variant has been observed in over 10 individuals and families affected with breast and ovarian cancer (PMID: 7894492, 8755943, 10441573, 15024741, 17688236, 18703817, 23289006, 26350514, 27062684, 28724667) and found to segregate with disease in several members of one family (PMID: 17688236). This variant also has been described as a founder mutation in Sweden and Norway (PMID: 8755943, 10441573, 23199084). This variant has not been identified in the general population by the Genome Aggregation Database (gnomAD). Loss of BRCA1 function is a known mechanism of disease. Based on the available evidence, this variant is classified as Pathogenic.

This study involves interpretation of variants in research participants for the purpose of population health screening. Participant phenotype was not available at the time of variant classification. Additional details can be found in publication PMID: 35346344, PMCID: PMC8962531

NM_007294.4(BRCA1):c.1016dup (p.Val340fs)

Gene: BRCA1 (BRCA1 DNA repair associated; minus strand). Cytogenetic location: 17q21.31.
Variant type: Duplication.
Coding change: c.1016dup on transcript NM_007294.4 (MANE Select); coding-DNA position 1016, one base duplicated (A; older notation c.1016dupA).
Protein change: p.Val340fs; shifts the reading frame from valine 340.
Molecular consequence: frameshift variant. On other transcripts: intron variant (137).
Genome position (GRCh38, 1-based): chr17:43,094,515, T duplicated on the plus strand (A on the coding strand, the reverse complement: BRCA1 is on the minus strand); the first of 7 consecutive T bases (chr17:43,094,515-43,094,521); duplicating any one gives the same sequence. VCF-style (leftmost placement, unchanged base first): chr17-43094514-C-CT. GRCh37 (hg19) VCF-style: chr17-41246531-C-CT.
Other names: 1129insA; NP_009225.1:p.Val340GlyfsTer6; 1135insA; c.1016_1017insA (U14680.1); c.1010_1011insA (U14680.1); c.1016dupA (NM_007294.3); c.803dup, p.Val269fs (NM_001407571.1, NM_001407897.1, NM_001407898.1 and 9 more transcripts); c.1016dup, p.Val340fs (NM_001407581.1, NM_001407582.1, NM_001407583.1 and 30 more transcripts); and 46 more; short protein forms V340fs, V293fs, V213fs, V228fs, V292fs, V299fs, V44fs, V172fs.
Identifiers: ClinVar variation 54102 (VCV000054102.104), dbSNP rs80357569, ClinGen allele CA000681.
Genomic context (GRCh38, chr17:43,094,514, plus strand): 5'-TGGCAGTTTCTGCTTATTCCATTCTTTTCTCTCACACAGGGGATCAGCATTCAGATCTAC[C>CT]TTTTTTTCTGTGCTGGGAGTCCGCCTATCATTACATGTTTCCTTACTTCCAGCCCATCTG-3'